The following is an entry in ClinVar:

NM_198578.4(LRRK2):c.799C>G (p.Gln267Glu)

Gene: LRRK2 (leucine rich repeat kinase 2; plus strand). Cytogenetic location: 12q12.
Variant type: single nucleotide variant.
Coding change: c.799C>G on transcript NM_198578.4 (MANE Select); coding-DNA position 799, C replaced by G.
Protein change: p.Gln267Glu; replaces glutamine 267 with glutamic acid.
Molecular consequence: missense variant.
Genome position (GRCh38, 1-based): chr12:40,243,642, C>G. VCF-style: chr12-40243642-C-G. GRCh37 (hg19) VCF-style: chr12-40637444-C-G.
Other names: short protein forms Q267E.
Identifiers: ClinVar variation 2489706 (VCV002489706.2), dbSNP rs1941841825, ClinGen allele CA384406009.
Genomic context (GRCh38, chr12:40,243,642, plus strand): 5'-GTCAGGTGTTATAATATTGTGGTGGAAGCTATGAAAGCATTCCCTATGAGTGAAAGAATT[C>G]AAGAAGTGAGTTGCTGTTTGCTCCATAGGCTTACATTAGGTGAGTTTCTTAGTTAATATG-3'
Protein context (NP_940980.4, residues 257-277): MKAFPMSERI[Gln267Glu]EVSCCLLHRL

ClinVar aggregate classification (germline): Uncertain significance (1 of 4 stars; one submission).

Conditions:
Inborn genetic diseases. Identifiers: MedGen C0950123, MeSH D030342.

Allele frequency attached by ClinVar (database versions not stated): gnomAD exomes below 0.00001; TOPMed below 0.00001.
gnomAD v4.1: 1 of 1,611,932 alleles (0.000062%); highest among the groups gnomAD compares: Non-Finnish European, 0.000085%; no homozygotes.

Submission:

Ambry Genetics
Classification: Uncertain significance for Inborn genetic diseases. Last evaluated: 2022-12-03. Review status: criteria provided, single submitter. Criteria: Ambry Variant Classification Scheme 2023. Collection method: clinical testing. Allele origin: germline.
Comment: The p.Q267E variant (also known as c.799C>G), located in coding exon 7 of the LRRK2 gene, results from a C to G substitution at nucleotide position 799. The glutamine at codon 267 is replaced by glutamic acid, an amino acid with highly similar properties. This amino acid position is conserved. In addition, the in silico prediction for this alteration is inconclusive. Since supporting evidence is limited at this time, the clinical significance of this alteration remains unclear.